The following is an entry in ClinVar:

ClinVar aggregate classification (germline): Uncertain significance. Review status: criteria provided, multiple submitters, no conflicts (2 of 4 stars). 3 submissions from 3 submitters: Uncertain significance (3). Last evaluated 2025-01-24.

Conditions:
Primary ciliary dyskinesia. Also called: Ciliary dyskinesia. Identifiers: Orphanet 244, MedGen C0008780, MONDO:0016575, HP:0012265.

Allele frequency attached by ClinVar (database versions not stated): ExAC 0.00004; gnomAD exomes 0.00004; gnomAD 0.00014 and 0.00015; ESP Exome Variant Server 0.00015; TOPMed 0.00017; 1000 Genomes Project 0.00040; 1000 Genomes Project 30x 0.00047.
gnomAD v4.1: 54 of 1,614,040 alleles (0.0033%); highest among the groups gnomAD compares: African/African-American, 0.04%; no homozygotes.

Submissions (3):

Ambry Genetics
Classification: Uncertain significance for Primary ciliary dyskinesia. Last evaluated: 2025-01-24. Review status: criteria provided, single submitter. Criteria: Ambry Variant Classification Scheme 2023. Collection method: clinical testing. Allele origin: germline.

Labcorp Genetics (formerly Invitae), Labcorp
Classification: Uncertain significance for Primary ciliary dyskinesia. Last evaluated: 2021-08-27. Review status: criteria provided, single submitter. Criteria: Invitae Variant Classification Sherloc (09022015). Collection method: clinical testing. Allele origin: germline.
Comment: This sequence change replaces arginine with tryptophan at codon 618 of the DNAAF1 protein (p.Arg618Trp). The arginine residue is weakly conserved and there is a moderate physicochemical difference between arginine and tryptophan. This variant is present in population databases (rs369294412, ExAC 0.04%). This variant has not been reported in the literature in individuals affected with DNAAF1-related conditions. ClinVar contains an entry for this variant (Variation ID: 410277). Algorithms developed to predict the effect of missense changes on protein structure and function are either unavailable or do not agree on the potential impact of this missense change (SIFT: "Deleterious"; PolyPhen-2: "Benign"; Align-GVGD: "Class C0"). In summary, the available evidence is currently insufficient to determine the role of this variant in disease. Therefore, it has been classified as a Variant of Uncertain Significance.

UNC Molecular Genetics  Laboratory, University of North Carolina at Chapel Hill
Classification: Uncertain significance for Primary ciliary dyskinesia. Last evaluated: 2018-04-11. Review status: criteria provided, single submitter. Criteria: ACMG Guidelines, 2015. Collection method: clinical testing. Allele origin: germline. Observed: 1 heterozygote.

NM_178452.6(DNAAF1):c.1852C>T (p.Arg618Trp)

Gene: DNAAF1 (dynein axonemal assembly factor 1; plus strand). Cytogenetic location: 16q24.1.
Variant type: single nucleotide variant.
Coding change: c.1852C>T on transcript NM_178452.6 (MANE Select); coding-DNA position 1852, C replaced by T.
Protein change: p.Arg618Trp; replaces arginine 618 with tryptophan.
Molecular consequence: missense variant.
Genome position (GRCh38, 1-based): chr16:84,176,086, C>T. VCF-style: chr16-84176086-C-T. GRCh37 (hg19) VCF-style: chr16-84209692-C-T.
Other names: c.1144C>T, p.Arg382Trp (NM_001318756.1); short protein forms R618W, R382W.
Identifiers: ClinVar variation 410277 (VCV000410277.10), dbSNP rs369294412, ClinGen allele CA8203048.